The following is an entry in ClinVar:

NM_015693.4(INTU):c.2375C>T (p.Thr792Ile)

Gene: INTU (inturned planar cell polarity protein; plus strand). Cytogenetic location: 4q28.1.
Variant type: single nucleotide variant.
Coding change: c.2375C>T on transcript NM_015693.4 (MANE Select); coding-DNA position 2375, C replaced by T.
Protein change: p.Thr792Ile; replaces threonine 792 with isoleucine.
Molecular consequence: missense variant.
Genome position (GRCh38, 1-based): chr4:127,710,918, C>T. VCF-style: chr4-127710918-C-T. GRCh37 (hg19) VCF-style: chr4-128632073-C-T.
Other names: short protein forms T792I.
Identifiers: ClinVar variation 3615777 (VCV003615777.2).

ClinVar aggregate classification (germline): Uncertain significance (1 of 4 stars; one submission).

gnomAD v4.1: 3 of 1,446,636 alleles (0.00021%); highest among the groups gnomAD compares: Admixed American, 0.0063%; no homozygotes.

Submission:

Labcorp Genetics (formerly Invitae), Labcorp
Classification: Uncertain significance. Last evaluated: 2025-01-29. Review status: criteria provided, single submitter. Criteria: Invitae Variant Classification Sherloc (09022015). Collection method: clinical testing. Allele origin: germline.
Comment: This sequence change replaces threonine, which is neutral and polar, with isoleucine, which is neutral and non-polar, at codon 792 of the INTU protein (p.Thr792Ile). This variant is present in population databases (no rsID available, gnomAD 0.009%). This variant has not been reported in the literature in individuals affected with INTU-related conditions. Invitae Evidence Modeling of protein sequence and biophysical properties (such as structural, functional, and spatial information, amino acid conservation, physicochemical variation, residue mobility, and thermodynamic stability) indicates that this missense variant is expected to disrupt INTU protein function with a positive predictive value of 80%. In summary, the available evidence is currently insufficient to determine the role of this variant in disease. Therefore, it has been classified as a Variant of Uncertain Significance.